The following is an entry in ClinVar:

ClinVar aggregate classification (germline): Pathogenic (1 of 4 stars; one submission).

Submission:

Labcorp Genetics (formerly Invitae), Labcorp
Classification: Pathogenic. Last evaluated: 2023-08-10. Review status: criteria provided, single submitter. Criteria: Invitae Variant Classification Sherloc (09022015). Collection method: clinical testing. Allele origin: germline.
Comment: This sequence change creates a premature translational stop signal (p.Gln1237*) in the COL2A1 gene. It is expected to result in an absent or disrupted protein product. Loss-of-function variants in COL2A1 are known to be pathogenic (PMID: 20179744). This variant is not present in population databases (gnomAD no frequency). For these reasons, this variant has been classified as Pathogenic. ClinVar contains an entry for this variant (Variation ID: 1458999). This premature translational stop signal has been observed in individual(s) with Stickler syndrome (PMID: 16752401).

Literature cited by the submitters: PubMed 20179744; PubMed 16752401.

NM_001844.5(COL2A1):c.3709C>T (p.Gln1237Ter)

Gene: COL2A1 (collagen type II alpha 1 chain; minus strand). Cytogenetic location: 12q13.11.
Variant type: single nucleotide variant.
Coding change: c.3709C>T on transcript NM_001844.5 (MANE Select); coding-DNA position 3709, C replaced by T.
Protein change: p.Gln1237Ter; replaces glutamine 1237 with a stop codon.
Molecular consequence: nonsense.
Genome position (GRCh38, 1-based): chr12:47,975,494, G>A on the plus strand (C>T on the coding strand, the complement: COL2A1 is on the minus strand). VCF-style: chr12-47975494-G-A. GRCh37 (hg19) VCF-style: chr12-48369277-G-A.
Other names: c.3502C>T, p.Gln1168Ter (NM_033150.3); short protein forms Q1237*, Q1168*.
Identifiers: ClinVar variation 1458999 (VCV001458999.6), dbSNP rs2136511934, ClinGen allele CA384536860.